The following is an entry in ClinVar:

ClinVar aggregate classification (germline): Pathogenic. Review status: criteria provided, multiple submitters, no conflicts (2 of 4 stars). 3 submissions from 3 submitters: Pathogenic (3). Last evaluated 2026-01-18.

Conditions:
Gastrointestinal stromal tumor. Also called: Gastrointestinal stromal tumor, somatic; Gastrointestinal stroma tumor. Identifiers: Orphanet 44890, MedGen C0238198, MeSH D046152, MONDO:0011719, OMIM 606764, HP:0100723.
Pheochromocytoma/paraganglioma syndrome 3. Also called: GLOMUS TUMORS, FAMILIAL, 3; SDHC-Related Hereditary Paraganglioma-Pheochromocytoma Syndrome; Paragangliomas 3; SDHC-Related Hereditary Paraganglioma-Pheochromocytoma Syndrome (Paragangliomas 3). Identifiers: Orphanet 29072, MedGen C1854336, MONDO:0011544, OMIM 605373.

Allele frequency attached by ClinVar (database versions not stated): gnomAD exomes below 0.00001.

Submissions (3):

Labcorp Genetics (formerly Invitae), Labcorp
Classification: Pathogenic for Pheochromocytoma/paraganglioma syndrome 3; Gastrointestinal stromal tumor. Last evaluated: 2026-01-18. Review status: criteria provided, single submitter. Criteria: Invitae Variant Classification Sherloc (09022015). Collection method: clinical testing. Allele origin: germline.
Comment: This sequence change affects the initiator codon of the SDHC mRNA. This change may impact translation initiation or efficiency. The next in-frame methionine is located at codon 38. This variant is not present in population databases (gnomAD no frequency). Disruption of the initiator codon has been observed in individuals with paragangliomas and/or renal cancer (PMID: 11062460, 22351710). It has also been observed to segregate with disease in related individuals. ClinVar contains an entry for this variant (Variation ID: 968839). For these reasons, this variant has been classified as Pathogenic.

Myriad Genetics, Inc.
Classification: Pathogenic for Pheochromocytoma/paraganglioma syndrome 3. Last evaluated: 2024-10-30. Review status: criteria provided, single submitter. Criteria: Myriad Autosomal Dominant, Autosomal Recessive and X-Linked Classification Criteria (2023). Collection method: clinical testing. Allele origin: unknown.
Comment: This variant is considered pathogenic. This variant is located within the gene translation start codon (p.Met1?) and is predicted to result in abnormal protein translation. This variant has been reported in multiple individuals with clinical features of gene-specific disease [PMID: 30201732, 30877234, 16249420, 11062460, 22351710].

GeneDx
Classification: Pathogenic. Last evaluated: 2024-09-30. Review status: criteria provided, single submitter. Criteria: GeneDx Variant Classification Process June 2021. Collection method: clinical testing. Allele origin: germline. Affected: yes.
Comment: Initiation codon variant in a gene for which loss of function is a known mechanism of disease; Not observed at significant frequency in large population cohorts (gnomAD); Has not been previously published as pathogenic or benign to our knowledge

Literature cited by the submitters: PubMed 11062460 (cited by Labcorp Genetics (formerly Invitae), Labcorp and Myriad Genetics, Inc.); PubMed 22351710 (cited by Labcorp Genetics (formerly Invitae), Labcorp and Myriad Genetics, Inc.); PubMed 30201732 (cited by Myriad Genetics, Inc.); PubMed 30877234 (cited by Myriad Genetics, Inc.); PubMed 16249420 (cited by Myriad Genetics, Inc.).

NM_003001.5(SDHC):c.2T>G (p.Met1Arg)

Gene: SDHC (succinate dehydrogenase complex subunit C; plus strand). Cytogenetic location: 1q23.3.
Variant type: single nucleotide variant.
Coding change: c.2T>G on transcript NM_003001.5 (MANE Select); coding-DNA position 2, T replaced by G.
Protein change: p.Met1Arg; changes the start codon (methionine 1).
Molecular consequence: missense variant, initiator codon variant.
Genome position (GRCh38, 1-based): chr1:161,314,407, T>G. VCF-style: chr1-161314407-T-G. GRCh37 (hg19) VCF-style: chr1-161284197-T-G.
Other names: c.2T>G, p.Met1Arg (NM_001035511.3, NM_001035512.3, NM_001035513.3 and 6 more transcripts); c.-559T>G (NM_001407119.1); c.-228T>G (NM_001407120.1); short protein forms M1R.
Identifiers: ClinVar variation 968839 (VCV000968839.14), dbSNP rs1670517782, ClinGen allele CA343354891.
Genomic context (GRCh38, chr1:161,314,407, plus strand): 5'-CCTCCGCCCTCGGGTGGCGGGGCCGCCTGGCGTCACTTCCGTCCAGACCGGAACCCAAGA[T>G]GGCTGCGCTGTTGCTGAGGTGACTTCAGTGGGACTGGGAGTTGGTGCCTGCGGCCCTCCG-3'
Protein context (NP_002992.1, residues 1-11): [Met1Arg]AALLLRHVGR